The following is an entry in ClinVar:

NM_005359.6(SMAD4):c.745C>A (p.Gln249Lys)

Gene: SMAD4 (SMAD family member 4; plus strand). Cytogenetic location: 18q21.2.
Variant type: single nucleotide variant.
Coding change: c.745C>A on transcript NM_005359.6 (MANE Select); coding-DNA position 745, C replaced by A.
Protein change: p.Gln249Lys; replaces glutamine 249 with lysine.
Molecular consequence: missense variant. On other transcripts: non-coding transcript variant (2).
Genome position (GRCh38, 1-based): chr18:51,058,202, C>A. VCF-style: chr18-51058202-C-A. GRCh37 (hg19) VCF-style: chr18-48584572-C-A.
Other names: c.745C>A, p.Gln249Lys (NM_001407041.1, NM_001407042.1, NM_001407043.1); short protein forms Q249K.
Identifiers: ClinVar variation 3386027 (VCV003386027.2).
Genomic context (GRCh38, chr18:51,058,202, plus strand): 5'-CTGGGGGGCAGCCATAGTGAAGGACTGTTGCAGATAGCATCAGGGCCTCAGCCAGGACAG[C>A]AGCAGAATGGATTTACTGGTCAGCCAGCTACTTACCATCATAGTATGTACATACTTTAAA-3'
Protein context (NP_005350.1, residues 239-259): QIASGPQPGQ[Gln249Lys]QNGFTGQPAT

ClinVar aggregate classification (germline): Conflicting classifications of pathogenicity. Review status: criteria provided, conflicting classifications (1 of 4 stars). 2 submissions from 2 submitters: Uncertain significance (1); Likely benign (1). Last evaluated 2024-10-24.

Conditions:
Juvenile polyposis/hereditary hemorrhagic telangiectasia syndrome (JPHT). Also called: JP/HHT SYNDROME; JUVENILE POLYPOSIS WITH HEREDITARY HEMORRHAGIC TELANGIECTASIA; POLYPOSIS, GENERALIZED JUVENILE, WITH PULMONARY ARTERIOVENOUS MALFORMATION; TELANGIECTASIA, HEREDITARY HEMORRHAGIC, WITH JUVENILE POLYPOSIS COLI; Juvenile Polyposis Syndrome / Hereditary Hemorrhagic Telangiectasia (JPS/HHT). Identifiers: Orphanet 2929, MedGen C1832942, MONDO:0008278, OMIM 175050.
Familial thoracic aortic aneurysm and aortic dissection (TAAD). Also called: Thoracic aortic aneurysms and dissections. Identifiers: Orphanet 91387, MedGen C4707243, MONDO:0019625.
Hereditary cancer-predisposing syndrome. Also called: Neoplastic Syndromes, Hereditary; Tumor predisposition; Hereditary neoplastic syndrome; Hereditary Cancer Syndrome. Identifiers: Orphanet 140162, MedGen C0027672, MeSH D009386, MONDO:0015356.

gnomAD v4.1: 3 of 1,614,010 alleles (0.00019%); highest among the groups gnomAD compares: Admixed American, 0.005%; no homozygotes.

Submissions (2):

Ambry Genetics
Classification: Likely benign for Hereditary cancer-predisposing syndrome; Familial thoracic aortic aneurysm and aortic dissection. Last evaluated: 2024-10-24. Review status: criteria provided, single submitter. Criteria: Ambry Variant Classification Scheme 2023. Collection method: clinical testing. Allele origin: germline.

All of Us Research Program, National Institutes of Health
Classification: Uncertain significance for Juvenile polyposis/hereditary hemorrhagic telangiectasia syndrome. Last evaluated: 2024-09-13. Review status: criteria provided, single submitter. Criteria: ACMG Guidelines, 2015. Collection method: clinical testing. Allele origin: germline. Inheritance: Autosomal dominant inheritance. Observed: 1 variant allele, 1 heterozygote.
Comment: This missense variant replaces glutamine with lysine at codon 249 of the SMAD4 protein. Computational prediction suggests that this variant may not impact protein structure and function (internally defined REVEL score threshold <= 0.5, PMID: 27666373). To our knowledge, functional studies have not been reported for this variant. This variant has not been reported in individuals affected with SMAD4-related disorders in the literature. This variant has been identified in 2/251452 chromosomes in the general population by the Genome Aggregation Database (gnomAD). The available evidence is insufficient to determine the role of this variant in disease conclusively. Therefore, this variant is classified as a Variant of Uncertain Significance.

This study involves interpretation of variants in research participants for the purpose of population health screening. Participant phenotype was not available at the time of variant classification. Additional details can be found in publication PMID: 35346344, PMCID: PMC8962531